The following is an entry in ClinVar:

NM_002519.3(NPAT):c.4144T>G (p.Ser1382Ala)

Gene: NPAT (nuclear protein, coactivator of histone transcription; minus strand). Cytogenetic location: 11q22.3.
Variant type: single nucleotide variant.
Coding change: c.4144T>G on transcript NM_002519.3 (MANE Select); coding-DNA position 4144, T replaced by G.
Protein change: p.Ser1382Ala; replaces serine 1382 with alanine.
Molecular consequence: missense variant.
Genome position (GRCh38, 1-based): chr11:108,160,942, A>C on the plus strand (T>G on the coding strand, the complement: NPAT is on the minus strand). VCF-style: chr11-108160942-A-C. GRCh37 (hg19) VCF-style: chr11-108031669-A-C.
Other names: c.4165T>G, p.Ser1389Ala (NM_001321307.1); short protein forms S1382A, S1389A.
Identifiers: ClinVar variation 1738194 (VCV001738194.2), dbSNP rs2496693020, ClinGen allele CA382509270.

ClinVar aggregate classification (germline): Uncertain significance (1 of 4 stars; one submission).

Submission:

Ambry Genetics
Classification: Uncertain significance. Last evaluated: 2021-09-09. Review status: criteria provided, single submitter. Criteria: Ambry Variant Classification Scheme 2023. Collection method: clinical testing. Allele origin: germline.
Comment: The p.S1382A variant (also known as c.4144T>G), located in coding exon 17 of the NPAT gene, results from a T to G substitution at nucleotide position 4144. The serine at codon 1382 is replaced by alanine, an amino acid with similar properties. This amino acid position is conserved. In addition, this alteration is predicted to be tolerated by in silico analysis. Since supporting evidence is limited at this time, the clinical significance of this alteration remains unclear.